The following is an entry in ClinVar:

ClinVar aggregate classification (germline): Conflicting classifications of pathogenicity. Review status: criteria provided, conflicting classifications (1 of 4 stars). 4 submissions from 4 submitters: Pathogenic (1); Likely pathogenic (1); Uncertain significance (1). 1 of the submissions does not count toward it. Last evaluated 2025-10-29.

Conditions:
Adenylosuccinate lyase deficiency (ADSLD). Also called: ADSL DEFICIENCY. Identifiers: Orphanet 46, MedGen C0268126, MONDO:0007068, OMIM 103050.

Allele frequency attached by ClinVar (database versions not stated): gnomAD 0.00001; gnomAD exomes 0.00001; TOPMed 0.00001.
gnomAD v4.1: 8 of 1,613,930 alleles (0.0005%); highest among the groups gnomAD compares: Non-Finnish European, 0.00068%; no homozygotes.

Submissions (4):

Labcorp Genetics (formerly Invitae), Labcorp
Classification: Uncertain significance for Adenylosuccinate lyase deficiency. Last evaluated: 2025-10-29. Review status: criteria provided, single submitter. Criteria: Invitae Variant Classification Sherloc (09022015). Collection method: clinical testing. Allele origin: germline.
Comment: This sequence change replaces arginine, which is basic and polar, with cysteine, which is neutral and slightly polar, at codon 426 of the ADSL protein (p.Arg426Cys). This variant is not present in population databases (gnomAD no frequency). This variant has not been reported in the literature in individuals affected with ADSL-related conditions. ClinVar contains an entry for this variant (Variation ID: 204798). Invitae Evidence Modeling of protein sequence and biophysical properties (such as structural, functional, and spatial information, amino acid conservation, physicochemical variation, residue mobility, and thermodynamic stability) indicates that this missense variant is expected to disrupt ADSL protein function with a positive predictive value of 80%. This variant disrupts the p.Arg426 amino acid residue in ADSL. Other variant(s) that disrupt this residue have been determined to be pathogenic (PMID: 10090474, 12833398, 16839792, 18524658, 25112391, 27504266). This suggests that this residue is clinically significant, and that variants that disrupt this residue are likely to be disease-causing. In summary, the available evidence is currently insufficient to determine the role of this variant in disease. Therefore, it has been classified as a Variant of Uncertain Significance.

Diagnostics Services (NGS), CSIR - Centre For Cellular And Molecular Biology
Classification: Likely pathogenic for Adenylosuccinate lyase deficiency. Last evaluated: 2025-10-16. Review status: criteria provided, single submitter. Criteria: ACMG Guidelines, 2015. Collection method: clinical testing. Allele origin: germline. Affected: yes. Observed: 1 variant allele, 1 homozygote.
Comment: The c.1276C>T variant is not present in publicly available population databases like 1000 Genomes, EVS, gnomAD, Indian Exome Database or our internal database. The variant has not been published in literature in individuals affected with ADSL-related conditions. It has been previously reported to the ClinVar database (Accession ID: VCV000204798.4) as ‘Pathogenic(1)/Uncertain significance(1)’ by two submitters. In-silico pathogenicity prediction programs like Polyphen-2, MutationTaster2021, CADD, Franklin, etc, predicted this variant to be likely deleterious; however, these were not confirmed by published functional studies. This variant is present in a mutational hotspot region of the gene and a different amino acid change in the same codon (Arg426His) has been previously observed in affected individuals, published in literature several times with functional studies and reported to the clinical databases as ‘Pathogenic’ by multiple submitters. This variant has been classified as Likely Pathogenic following the PM1, PM2, PM5, PP3 criteria of ACMG guidelines.

GeneDx
Classification: Pathogenic. Last evaluated: 2012-07-19. Review status: criteria provided, single submitter. Criteria: GeneDx Variant Classification (06012015). Collection method: clinical testing. Allele origin: germline. Affected: yes.
Comment: p.Arg426Cys (CGT>TGT): c.1276 C>T in exon 12 of the ADSL gene (NM_000026.2) The Arg426Cys mutation is a non-conservative amino acid change, since a positively charged Arginine is replaced with a neutral Cysteine, which may also affect formation of disulfide bonds. Although this specific mutation has not been published previously to our knowledge, a different missense substitution at the same position, Arg426His, is the most commonly observed mutation in ADSL and has been reported in homozygous as well as compound heterozgous form (Jurecka et al., 2008; Marie et al., 1999; Zikanova et al. 2010). The Arg426His mutation is located at the surface of the substrate channel of the encoded protein where its presence disrupts arginine-mediated interactions with Gln409 and Asp422 residues. Functional studies have demonstrated that Arg426His significantly reduces enzyme activity and thermal stability (Zikanova et al. 2010). The variant is found in CHILD-EPI panel(s).

Clinical Genomics Laboratory, Stanford Medicine
Classification: Uncertain significance for Adenylosuccinate lyase deficiency. Last evaluated: 2019-10-18. Review status: no assertion criteria provided. Collection method: clinical testing. Allele origin: germline. Inheritance: Autosomal recessive inheritance. Affected: yes. Not counted in ClinVar's aggregate classification.
Comment: The p.Arg426Cys variant in the ADSL gene has not been previously reported in association with disease. This variant was absent from large population databases, including the Genome Aggregation Database. Notably, a different amino acid change (p.Arg426His) has been previously reported at this residue. The p.Arg426His variant is classified as pathogenic and is the most commonly observed variant associated with adenylosuccinase deficiency (Jurecka et al., 2015), which suggests another change at this residue, such as p.Arg426Cys, may similarly disrupt protein function. Computational tools predict that this variant is deleterious; however, the accuracy of in silico algorithms is limited. These data were assessed using the ACMG/AMP variant interpretation guidelines. In summary, the significance of the p.Arg426Cys variant is uncertain. Additional information is needed to resolve the significance of this variant. [ACMG evidence codes used: PM2, PM5, PP3]

Literature cited by the submitters: PubMed 10090474 (cited by Labcorp Genetics (formerly Invitae), Labcorp); PubMed 12833398 (cited by Labcorp Genetics (formerly Invitae), Labcorp); PubMed 16839792 (cited by Labcorp Genetics (formerly Invitae), Labcorp); PubMed 18524658 (cited by Labcorp Genetics (formerly Invitae), Labcorp); PubMed 25112391 (cited by Labcorp Genetics (formerly Invitae), Labcorp); PubMed 27504266 (cited by Labcorp Genetics (formerly Invitae), Labcorp).

NM_000026.4(ADSL):c.1276C>T (p.Arg426Cys)

Gene: ADSL (adenylosuccinate lyase; plus strand). Cytogenetic location: 22q13.1.
Variant type: single nucleotide variant.
Coding change: c.1276C>T on transcript NM_000026.4 (MANE Select); coding-DNA position 1276, C replaced by T.
Protein change: p.Arg426Cys; replaces arginine 426 with cysteine.
Molecular consequence: missense variant. On other transcripts: non-coding transcript variant (1), intron variant (1).
Genome position (GRCh38, 1-based): chr22:40,364,964, C>T. VCF-style: chr22-40364964-C-T. GRCh37 (hg19) VCF-style: chr22-40760968-C-T.
Other names: p.R426C:CGT>TGT; c.1084C>T, p.Arg362Cys (NM_001317923.2); c.1276C>T, p.Arg426Cys (NM_001363840.3); c.1191+599C>T (NM_001123378.3); short protein forms R426C, R362C.
Identifiers: ClinVar variation 204798 (VCV000204798.6), dbSNP rs796052248, ClinGen allele CA313115.